The following is an entry in ClinVar:

ClinVar aggregate classification (germline): Uncertain significance (1 of 4 stars; one submission).

Submission:

Labcorp Genetics (formerly Invitae), Labcorp
Classification: Uncertain significance. Last evaluated: 2022-08-23. Review status: criteria provided, single submitter. Criteria: Invitae Variant Classification Sherloc (09022015). Collection method: clinical testing. Allele origin: germline.
Comment: In summary, the available evidence is currently insufficient to determine the role of this variant in disease. Therefore, it has been classified as a Variant of Uncertain Significance. Advanced modeling of protein sequence and biophysical properties (such as structural, functional, and spatial information, amino acid conservation, physicochemical variation, residue mobility, and thermodynamic stability) performed at Invitae indicates that this missense variant is expected to disrupt KCNH1 protein function. ClinVar contains an entry for this variant (Variation ID: 1493753). This variant has not been reported in the literature in individuals affected with KCNH1-related conditions. This variant is not present in population databases (gnomAD no frequency). This sequence change replaces lysine, which is basic and polar, with asparagine, which is neutral and polar, at codon 367 of the KCNH1 protein (p.Lys367Asn).

NM_172362.3(KCNH1):c.1101G>T (p.Lys367Asn)

Gene: KCNH1 (potassium voltage-gated channel subfamily H member 1; minus strand). Cytogenetic location: 1q32.2.
Variant type: single nucleotide variant.
Coding change: c.1101G>T on transcript NM_172362.3 (MANE Select); coding-DNA position 1101, G replaced by T.
Protein change: p.Lys367Asn; replaces lysine 367 with asparagine.
Molecular consequence: missense variant.
Genome position (GRCh38, 1-based): chr1:210,920,001, C>A on the plus strand (G>T on the coding strand, the complement: KCNH1 is on the minus strand). VCF-style: chr1-210920001-C-A. GRCh37 (hg19) VCF-style: chr1-211093343-C-A.
Other names: c.1020G>T, p.Lys340Asn (NM_002238.4); short protein forms K340N, K367N.
Identifiers: ClinVar variation 1493753 (VCV001493753.8), dbSNP rs2102561757, ClinGen allele CA344874037.
Genomic context (GRCh38, chr1:210,920,001, plus strand): 5'-CCCAAACACACACACCAGCAGGACCAGCACAGCAGCTCCATATTCAATGTAGTGGTCCAG[C>A]TTACGGGCCACTCGCCCAAGACGGAGCAGCCGGACAACTTTTAGAGAGCTGAACAGGCTG-3'
Protein context (NP_758872.1, residues 357-377): RLLRLGRVAR[Lys367Asn]LDHYIEYGAA